The following is an entry in ClinVar:

NM_000138.5(FBN1):c.1095C>A (p.Cys365Ter)

Genes: FBN1 (fibrillin 1; minus strand), LOC113939944 (Sharpr-MPRA regulatory region 9539; plus strand). Cytogenetic location: 15q21.1.
Variant type: single nucleotide variant.
Coding change: c.1095C>A on transcript NM_000138.5 (MANE Select); coding-DNA position 1095, C replaced by A.
Protein change: p.Cys365Ter; replaces cysteine 365 with a stop codon.
Molecular consequence: nonsense.
Genome position (GRCh38, 1-based): chr15:48,520,711, G>T on the plus strand (C>A on the coding strand, the complement: FBN1 is on the minus strand). VCF-style: chr15-48520711-G-T. GRCh37 (hg19) VCF-style: chr15-48812908-G-T.
Other names: short protein forms C365*.
Identifiers: ClinVar variation 42282 (VCV000042282.6), dbSNP rs397515755, ClinGen allele CA011950.
Genomic context (GRCh38, chr15:48,520,711, plus strand): 5'-GCTCTTACCGGTTGCTCTGATGGGACACATCTCAGGGGCGACAGTGACCCCTGGAGACCA[G>T]CATCGGCCGGCATCACAGCAGCACTGCATTTTGGTTATGGACTGTGGCAGCTGGTTAGAG-3'

ClinVar aggregate classification (germline): Pathogenic. Review status: criteria provided, multiple submitters, no conflicts (2 of 4 stars). 2 submissions from 2 submitters: Pathogenic (2). Last evaluated 2024-10-24.

Conditions:
Marfan syndrome (MFS). Also called: FBN1-Related Marfan Syndrome; Marfan syndrome, classic; MARFAN SYNDROME, TYPE I; Marfan syndrome type 1; Marfan's syndrome. Identifiers: Orphanet 284963, Orphanet 558, MedGen C0024796, MONDO:0007947, OMIM 154700.
Familial thoracic aortic aneurysm and aortic dissection (TAAD). Also called: Thoracic aortic aneurysms and dissections. Identifiers: Orphanet 91387, MedGen C4707243, MONDO:0019625.

Submissions (2):

Labcorp Genetics (formerly Invitae), Labcorp
Classification: Pathogenic for Marfan syndrome; Familial thoracic aortic aneurysm and aortic dissection. Last evaluated: 2024-10-24. Review status: criteria provided, single submitter. Criteria: Invitae Variant Classification Sherloc (09022015). Collection method: clinical testing. Allele origin: germline.
Comment: This sequence change creates a premature translational stop signal (p.Cys365*) in the FBN1 gene. It is expected to result in an absent or disrupted protein product. Loss-of-function variants in FBN1 are known to be pathogenic (PMID: 17657824, 19293843). This variant is not present in population databases (gnomAD no frequency). This premature translational stop signal has been observed in individual(s) with FBN1-related conditions (PMID: 24793577). ClinVar contains an entry for this variant (Variation ID: 42282). For these reasons, this variant has been classified as Pathogenic.

Laboratory for Molecular Medicine, Mass General Brigham Personalized Medicine
Classification: Pathogenic for Marfan syndrome. Last evaluated: 2015-12-04. Review status: criteria provided, single submitter. Criteria: LMM Criteria. Collection method: clinical testing. Allele origin: germline. Inheritance: Autosomal dominant inheritance. Observed: 2 variant alleles.
Comment: It was absent from large population studies (dbSNP rs39751 5755). This nonsense variant leads to a premature termination codon at position 365, which is predicted to lead to a truncated or absent protein. Heterozygous l oss-of-function of the FBN1 gene is associated with Marfan syndrome. In summary, the p.Cys365X variant meets our criteria to be classified as pathogenic for Mar fan syndrome in an autosomal dominant manner based upon predicted impact to the protein and absence from controls.

Literature cited by the submitters: PubMed 17657824 (cited by Labcorp Genetics (formerly Invitae), Labcorp and Laboratory for Molecular Medicine, Mass General Brigham Personalized Medicine); PubMed 19293843 (cited by Labcorp Genetics (formerly Invitae), Labcorp); PubMed 24793577 (cited by Labcorp Genetics (formerly Invitae), Labcorp and Laboratory for Molecular Medicine, Mass General Brigham Personalized Medicine); PubMed 10486319 (cited by Laboratory for Molecular Medicine, Mass General Brigham Personalized Medicine).